The following is an entry in ClinVar:

ClinVar aggregate classification (germline): Uncertain significance. Review status: criteria provided, multiple submitters, no conflicts (2 of 4 stars). 3 submissions from 3 submitters: Uncertain significance (2). 1 of the submissions does not count toward it. Last evaluated 2025-08-21.

Conditions:
Inborn genetic diseases. Identifiers: MedGen C0950123, MeSH D030342.
Joubert syndrome. Also called: Familial aplasia of the vermis; JOUBERT-BOLTSHAUSER SYNDROME. Identifiers: Orphanet 475, MedGen C5979921, MONDO:0018772.
Meckel-Gruber syndrome. Also called: Dysencephalia splachnocystica; DYSENCEPHALIA SPLANCHNOCYSTICA; GRUBER SYNDROME. Identifiers: Orphanet 564, MedGen C0265215, MONDO:0018921.
TMEM67-related disorder. Also called: TMEM67-related condition; TMEM67-related disorders. Identifiers: MedGen CN239423.

gnomAD v4.1: 35 of 1,613,986 alleles (0.0022%); highest among the groups gnomAD compares: Non-Finnish European, 0.0028%; no homozygotes.

Submissions (3):

Ambry Genetics
Classification: Uncertain significance for Inborn genetic diseases. Last evaluated: 2025-08-21. Review status: criteria provided, single submitter. Criteria: Ambry Variant Classification Scheme 2023. Collection method: clinical testing. Allele origin: germline.

Labcorp Genetics (formerly Invitae), Labcorp
Classification: Uncertain significance for Joubert syndrome; Meckel-Gruber syndrome. Last evaluated: 2022-05-17. Review status: criteria provided, single submitter. Criteria: Invitae Variant Classification Sherloc (09022015). Collection method: clinical testing. Allele origin: germline.
Comment: This sequence change replaces glutamine, which is neutral and polar, with histidine, which is basic and polar, at codon 272 of the TMEM67 protein (p.Gln272His). This variant is present in population databases (rs755801996, gnomAD 0.003%). This variant has not been reported in the literature in individuals affected with TMEM67-related conditions. Advanced modeling of protein sequence and biophysical properties (such as structural, functional, and spatial information, amino acid conservation, physicochemical variation, residue mobility, and thermodynamic stability) performed at Invitae indicates that this missense variant is not expected to disrupt TMEM67 protein function. In summary, the available evidence is currently insufficient to determine the role of this variant in disease. Therefore, it has been classified as a Variant of Uncertain Significance.

PreventionGenetics, part of Exact Sciences
Classification: Uncertain significance for TMEM67-related condition. Last evaluated: 2024-07-20. Review status: no assertion criteria provided. Collection method: clinical testing. Allele origin: germline. Not counted in ClinVar's aggregate classification.
Comment: The TMEM67 c.816G>C variant is predicted to result in the amino acid substitution p.Gln272His. To our knowledge, this variant has not been reported in the literature. This variant is reported in 0.0026% of alleles in individuals of European (Non-Finnish) descent in gnomAD. At this time, the clinical significance of this variant is uncertain due to the absence of conclusive functional and genetic evidence.

NM_153704.6(TMEM67):c.816G>C (p.Gln272His)

Gene: TMEM67 (transmembrane protein 67; plus strand). Cytogenetic location: 8q22.1.
Variant type: single nucleotide variant.
Coding change: c.816G>C on transcript NM_153704.6 (MANE Select); coding-DNA position 816, G replaced by C.
Protein change: p.Gln272His; replaces glutamine 272 with histidine.
Molecular consequence: missense variant. On other transcripts: non-coding transcript variant (1).
Genome position (GRCh38, 1-based): chr8:93,780,694, G>C. VCF-style: chr8-93780694-G-C. GRCh37 (hg19) VCF-style: chr8-94792922-G-C.
Other names: c.573G>C, p.Gln191His (NM_001142301.1); short protein forms Q191H, Q272H.
Identifiers: ClinVar variation 2186372 (VCV002186372.3), dbSNP rs755801996, ClinGen allele CA4807774.